The following is an entry in ClinVar:

NM_015102.5(NPHP4):c.2493G>A (p.Pro831=)

Gene: NPHP4 (nephrocystin 4; minus strand). Cytogenetic location: 1p36.31.
Variant type: single nucleotide variant.
Coding change: c.2493G>A on transcript NM_015102.5 (MANE Select); coding-DNA position 2493, G replaced by A.
Protein change: p.Pro831=; no amino-acid change (proline 831 retained).
Molecular consequence: synonymous variant. On other transcripts: non-coding transcript variant (1).
Genome position (GRCh38, 1-based): chr1:5,880,232, C>T on the plus strand (G>A on the coding strand, the complement: NPHP4 is on the minus strand). VCF-style: chr1-5880232-C-T. GRCh37 (hg19) VCF-style: chr1-5940292-C-T.
Other names: c.954G>A, p.Pro318= (NM_001291593.2); c.957G>A, p.Pro319= (NM_001291594.2); c.2493G>A (NM_015102.4).
Identifiers: ClinVar variation 1093351 (VCV001093351.11), dbSNP rs546616658, ClinGen allele CA554077.

ClinVar aggregate classification (germline): Likely benign. Review status: criteria provided, multiple submitters, no conflicts (2 of 4 stars). 3 submissions from 3 submitters: Likely benign (3). Last evaluated 2025-12-26.

Conditions:
NPHP4-related disorder. Also called: NPHP4-related disorders; NPHP4-related condition. Identifiers: MedGen CN239384.
Nephronophthisis. Also called: Juvenile Nephronophthisis. Identifiers: Orphanet 655, MedGen C0687120, MONDO:0019005, HP:0000090.

Allele frequency attached by ClinVar (database versions not stated): gnomAD 0.00001 and 0.00003; TOPMed 0.00002; gnomAD exomes 0.00004; 1000 Genomes Project 30x 0.00031; 1000 Genomes Project 0.00040.
gnomAD v4.1: 21 of 1,613,416 alleles (0.0013%); highest among the groups gnomAD compares: African/African-American, 0.0067%; no homozygotes.

Submissions (3):

PreventionGenetics, part of Exact Sciences
Classification: Likely benign for NPHP4-related condition. Last evaluated: 2025-12-26. Review status: criteria provided, single submitter. Criteria: ACMG Guidelines, 2015. Collection method: clinical testing. Allele origin: germline.
Comment: This variant is classified as likely benign based on ACMG/AMP sequence variant interpretation guidelines (Richards et al. 2015 PMID: 25741868, with internal and published modifications).

Labcorp Genetics (formerly Invitae), Labcorp
Classification: Likely benign for Nephronophthisis. Last evaluated: 2025-04-28. Review status: criteria provided, single submitter. Criteria: Invitae Variant Classification Sherloc (09022015). Collection method: clinical testing. Allele origin: germline.

Blueprint Genetics
Classification: Likely benign. Last evaluated: 2022-01-20. Review status: criteria provided, single submitter. Criteria: ACMG Guidelines, 2015. Collection method: clinical testing. Allele origin: germline.